The following is an entry in ClinVar:

ClinVar aggregate classification (germline): Uncertain significance (1 of 4 stars; one submission).

Conditions:
Cardiovascular phenotype. Identifiers: MedGen CN230736.
Hereditary cancer-predisposing syndrome. Also called: Hereditary neoplastic syndrome; Neoplastic Syndromes, Hereditary; Tumor predisposition; Hereditary Cancer Syndrome. Identifiers: Orphanet 140162, MedGen C0027672, MeSH D009386, MONDO:0015356.

Submission:

Ambry Genetics
Classification: Uncertain significance for Cardiovascular phenotype; Hereditary cancer-predisposing syndrome. Last evaluated: 2025-06-16. Review status: criteria provided, single submitter. Criteria: Ambry Variant Classification Scheme 2023. Collection method: clinical testing. Allele origin: germline.
Comment: The c.3314+5A>C intronic variant results from an A to C substitution 5 nucleotides after coding exon 25 in the NF1 gene. This nucleotide position is not well conserved in available vertebrate species. In silico splice site analysis for this alteration is inconclusive. Based on the available evidence, the clinical significance of this variant remains unclear.

NM_001042492.3(NF1):c.3314+5A>C

Gene: NF1 (neurofibromin 1; plus strand). Cytogenetic location: 17q11.2.
Variant type: single nucleotide variant.
Coding change: c.3314+5A>C on transcript NM_001042492.3 (MANE Select); 5 bases into the intron after coding-DNA position 3314, A replaced by C.
Molecular consequence: intron variant.
Genome position (GRCh38, 1-based): chr17:31,232,194, A>C. VCF-style: chr17-31232194-A-C. GRCh37 (hg19) VCF-style: chr17-29559212-A-C.
Other names: c.3314+5A>C (NM_000267.4).
Identifiers: ClinVar variation 4119052 (VCV004119052.1).
Genomic context (GRCh38, chr17:31,232,194, plus strand): 5'-CCTGAAGAAGGAGATGGTGTGGAATTGATGGAAGCCAAATCACAGTTATTTCTTAAGTAA[A>C]TTTCAGTCACCAAAAAACATAAAGCAAAAAGCAAATAAAGCCCCCCACCACACAAAAAAA-3'